The following is an entry in ClinVar:

NM_000038.6(APC):c.2142G>A (p.Lys714=)

Gene: APC (APC regulator of Wnt signaling pathway; plus strand). Cytogenetic location: 5q22.2.
Variant type: single nucleotide variant.
Coding change: c.2142G>A on transcript NM_000038.6 (MANE Select); coding-DNA position 2142, G replaced by A.
Protein change: p.Lys714=; no amino-acid change (lysine 714 retained).
Molecular consequence: synonymous variant.
Genome position (GRCh38, 1-based): chr5:112,837,736, G>A. VCF-style: chr5-112837736-G-A. GRCh37 (hg19) VCF-style: chr5-112173433-G-A.
Other names: c.2142G>A, p.Lys714= (NM_001127510.3, NM_001354895.2); c.2088G>A, p.Lys696= (NM_001127511.3); c.2196G>A, p.Lys732= (NM_001354896.2); c.2172G>A, p.Lys724= (NM_001354897.2); c.2067G>A, p.Lys689= (NM_001354898.2); c.2058G>A, p.Lys686= (NM_001354899.2); c.2019G>A, p.Lys673= (NM_001354900.2); c.1965G>A, p.Lys655= (NM_001354901.2); and 5 more.
Identifiers: ClinVar variation 628140 (VCV000628140.14), dbSNP rs1561575161, ClinGen allele CA445963460.
Genomic context (GRCh38, chr5:112,837,736, plus strand): 5'-CCAGGAAGCATTATGGGACATGGGGGCAGTTAGCATGCTCAAGAACCTCATTCATTCAAA[G>A]CACAAAATGATTGCTATGGGAAGTGCTGCAGCTTTAAGGAATCTCATGGCAAATAGGCCT-3'
Protein context (NP_000029.2, residues 704-724): VSMLKNLIHS[Lys714=]HKMIAMGSAA

ClinVar aggregate classification (germline): Benign/Likely benign. Review status: criteria provided, multiple submitters, no conflicts (2 of 4 stars). 4 submissions from 4 submitters: Benign (1); Likely benign (3). Last evaluated 2025-04-20.

Conditions:
Hereditary cancer-predisposing syndrome. Also called: Neoplastic Syndromes, Hereditary; Tumor predisposition; Hereditary neoplastic syndrome; Hereditary Cancer Syndrome. Identifiers: Orphanet 140162, MedGen C0027672, MeSH D009386, MONDO:0015356.
Familial adenomatous polyposis 1 (FAP1). Also called: POLYPOSIS, ADENOMATOUS INTESTINAL; FAMILIAL ADENOMATOUS POLYPOSIS 1, ATTENUATED. Identifiers: MedGen C2713442, MONDO:0021056, OMIM 175100. Disease mechanism: loss of function.

Allele frequency attached by ClinVar (database versions not stated): gnomAD exomes below 0.00001.
gnomAD v4.1: 1 of 1,614,150 alleles (0.000062%); highest among the groups gnomAD compares: Non-Finnish European, 0.000085%; no homozygotes.

Submissions (4):

Labcorp Genetics (formerly Invitae), Labcorp
Classification: Likely benign for Familial adenomatous polyposis 1. Last evaluated: 2025-04-20. Review status: criteria provided, single submitter. Criteria: Invitae Variant Classification Sherloc (09022015). Collection method: clinical testing. Allele origin: germline.

Myriad Genetics, Inc.
Classification: Benign for Familial adenomatous polyposis 1. Last evaluated: 2024-03-08. Review status: criteria provided, single submitter. Criteria: Myriad Autosomal Dominant, Autosomal Recessive and X-Linked Classification Criteria (2023). Collection method: clinical testing. Allele origin: unknown.
Comment: This variant is considered benign. This variant is a silent/synonymous amino acid change and it is not expected to impact splicing.

Ambry Genetics
Classification: Likely benign for Hereditary cancer-predisposing syndrome. Last evaluated: 2020-11-11. Review status: criteria provided, single submitter. Criteria: Ambry Variant Classification Scheme 2023. Collection method: clinical testing. Allele origin: germline.

Color Diagnostics, LLC DBA Color Health
Classification: Likely benign for Hereditary cancer-predisposing syndrome. Last evaluated: 2018-04-05. Review status: criteria provided, single submitter. Criteria: ACMG Guidelines, 2015. Collection method: clinical testing. Allele origin: germline.